The following is an entry in ClinVar:

NM_000088.4(COL1A1):c.1011C>G (p.Thr337=)

Gene: COL1A1 (collagen type I alpha 1 chain; minus strand). Cytogenetic location: 17q21.33.
Variant type: single nucleotide variant.
Coding change: c.1011C>G on transcript NM_000088.4 (MANE Select); coding-DNA position 1011, C replaced by G.
Protein change: p.Thr337=; no amino-acid change (threonine 337 retained).
Molecular consequence: synonymous variant.
Genome position (GRCh38, 1-based): chr17:50,195,968, G>C on the plus strand (C>G on the coding strand, the complement: COL1A1 is on the minus strand). VCF-style: chr17-50195968-G-C. GRCh37 (hg19) VCF-style: chr17-48273329-G-C.
Identifiers: ClinVar variation 2803608 (VCV002803608.5), dbSNP rs774708577, ClinGen allele CA8645431.

ClinVar aggregate classification (germline): Likely benign. Review status: criteria provided, single submitter (1 of 4 stars). 2 submissions from 2 submitters: Likely benign (1). 1 of the submissions does not count toward it. Last evaluated 2023-02-22.

Conditions:
Osteogenesis imperfecta type I (OI1). Also called: OI, TYPE I; OSTEOGENESIS IMPERFECTA TARDA; OSTEOGENESIS IMPERFECTA WITH BLUE SCLERAE; Osteogenesis imperfecta type 1; Lobstein's Disease; Lobstein disease. Identifiers: Orphanet 216796, Orphanet 666, MedGen C0023931, MONDO:0008146, OMIM 166200. Disease mechanism: loss of function.
COL1A1-related disorder. Also called: COL1A1- related disease; COL1A1-related condition.

gnomAD v4.1: 10 of 1,594,710 alleles (0.00063%); highest among the groups gnomAD compares: South Asian, 0.0068%; no homozygotes.

Submissions (2):

Labcorp Genetics (formerly Invitae), Labcorp
Classification: Likely benign for Osteogenesis imperfecta type I. Last evaluated: 2023-02-22. Review status: criteria provided, single submitter. Criteria: Invitae Variant Classification Sherloc (09022015). Collection method: clinical testing. Allele origin: germline.

PreventionGenetics, part of Exact Sciences
Classification: Likely benign for COL1A1-related condition. Last evaluated: 2020-11-04. Review status: no assertion criteria provided. Collection method: clinical testing. Allele origin: germline. Not counted in ClinVar's aggregate classification.
Comment: This variant is classified as likely benign based on ACMG/AMP sequence variant interpretation guidelines (Richards et al. 2015 PMID: 25741868, with internal and published modifications).